The following is an entry in ClinVar:

ClinVar aggregate classification (germline): Conflicting classifications of pathogenicity. Review status: criteria provided, conflicting classifications (1 of 4 stars). 2 submissions from 2 submitters: Pathogenic (1); Uncertain significance (1). Last evaluated 2024-07-16.

Allele frequency attached by ClinVar (database versions not stated): TOPMed below 0.00001; gnomAD 0.00001; ExAC 0.00004.
gnomAD v4.1: 15 of 1,603,444 alleles (0.00094%); highest among the groups gnomAD compares: South Asian, 0.0022%; no homozygotes.

Submissions (2):

Labcorp Genetics (formerly Invitae), Labcorp
Classification: Pathogenic. Last evaluated: 2024-07-16. Review status: criteria provided, single submitter. Criteria: Invitae Variant Classification Sherloc (09022015). Collection method: clinical testing. Allele origin: germline.
Comment: This sequence change creates a premature translational stop signal (p.Arg278*) in the MYO18B gene. It is expected to result in an absent or disrupted protein product. Loss-of-function variants in MYO18B are known to be pathogenic (PMID: 25748484, 32184166, 32637634). The frequency data for this variant in the population databases is considered unreliable, as metrics indicate poor data quality at this position in the gnomAD database. This variant has not been reported in the literature in individuals affected with MYO18B-related conditions. ClinVar contains an entry for this variant (Variation ID: 2504545). For these reasons, this variant has been classified as Pathogenic.

GeneDx
Classification: Uncertain significance. Last evaluated: 2022-11-30. Review status: criteria provided, single submitter. Criteria: GeneDx Variant Classification Process June 2021. Collection method: clinical testing. Allele origin: germline. Affected: yes.
Comment: Nonsense variant predicted to result in protein truncation or nonsense mediated decay in a gene for which loss of function is a known mechanism of disease; Has not been previously published as pathogenic or benign to our knowledge

Literature cited by the submitters: PubMed 25748484 (cited by Labcorp Genetics (formerly Invitae), Labcorp); PubMed 32184166 (cited by Labcorp Genetics (formerly Invitae), Labcorp); PubMed 32637634 (cited by Labcorp Genetics (formerly Invitae), Labcorp).

NM_032608.7(MYO18B):c.832C>T (p.Arg278Ter)

Gene: MYO18B (myosin XVIIIB; plus strand). Cytogenetic location: 22q12.1.
Variant type: single nucleotide variant.
Coding change: c.832C>T on transcript NM_032608.7 (MANE Select); coding-DNA position 832, C replaced by T.
Protein change: p.Arg278Ter; replaces arginine 278 with a stop codon.
Molecular consequence: nonsense.
Genome position (GRCh38, 1-based): chr22:25,768,748, C>T. VCF-style: chr22-25768748-C-T. GRCh37 (hg19) VCF-style: chr22-26164715-C-T.
Other names: c.832C>T, p.Arg278Ter (NM_001318245.2); short protein forms R278*.
Identifiers: ClinVar variation 2504545 (VCV002504545.3), dbSNP rs758073166, ClinGen allele CA10159702.